The following is an entry in ClinVar:

ClinVar aggregate classification (germline): Uncertain significance. Review status: criteria provided, multiple submitters, no conflicts (2 of 4 stars). 2 submissions from 2 submitters: Uncertain significance (2). Last evaluated 2024-12-04.

Conditions:
Wilson disease (WND). Also called: Wilson's disease. Identifiers: Orphanet 905, MedGen C0019202, MONDO:0010200, OMIM 277900. Disease mechanism: loss of function.

Allele frequency attached by ClinVar (database versions not stated): gnomAD exomes below 0.00001; ExAC 0.00001.
gnomAD v4.1: 1 of 1,613,838 alleles (0.000062%); highest among the groups gnomAD compares: Non-Finnish European, 0.000085%; no homozygotes.

Submissions (2):

Women's Health and Genetics/Laboratory Corporation of America, LabCorp
Classification: Uncertain significance. Last evaluated: 2024-12-04. Review status: criteria provided, single submitter. Criteria: LabCorp Variant Classification Summary - May 2015. Collection method: clinical testing. Allele origin: germline.
Comment: Variant summary: ATP7B c.4094C>T (p.Ser1365Phe) results in a non-conservative amino acid change in the encoded protein sequence. Five of five in-silico tools predict a damaging effect of the variant on protein function. The variant allele was found at a frequency of 4e-06 in 247014 control chromosomes. The available data on variant occurrences in the general population are insufficient to allow any conclusion about variant significance. c.4094C>T has been reported in the literature in at-least one individual affected with Wilson Disease (example: Nayagam_2023).These data do not allow any conclusion about variant significance. To our knowledge, no experimental evidence demonstrating an impact on protein function has been reported. The following publication has been ascertained in the context of this evaluation (PMID: 36096368). ClinVar contains an entry for this variant (Variation ID: 2418890). Based on the evidence outlined above, the variant was classified as uncertain significance.

Labcorp Genetics (formerly Invitae), Labcorp
Classification: Uncertain significance for Wilson disease. Last evaluated: 2021-08-27. Review status: criteria provided, single submitter. Criteria: Invitae Variant Classification Sherloc (09022015). Collection method: clinical testing. Allele origin: germline.
Comment: This sequence change replaces serine with phenylalanine at codon 1365 of the ATP7B protein (p.Ser1365Phe). The serine residue is highly conserved and there is a large physicochemical difference between serine and phenylalanine. This variant is present in population databases (rs747301758, ExAC 0.002%). This variant has not been reported in the literature in individuals affected with ATP7B-related conditions. Algorithms developed to predict the effect of missense changes on protein structure and function are either unavailable or do not agree on the potential impact of this missense change (SIFT: "Deleterious"; PolyPhen-2: "Probably Damaging"; Align-GVGD: "Class C0"). In summary, the available evidence is currently insufficient to determine the role of this variant in disease. Therefore, it has been classified as a Variant of Uncertain Significance.

Literature cited by the submitters: PubMed 36096368 (cited by Women's Health and Genetics/Laboratory Corporation of America, LabCorp).

NM_000053.4(ATP7B):c.4094C>T (p.Ser1365Phe)

Gene: ATP7B (ATPase copper transporting beta; minus strand). Cytogenetic location: 13q14.3.
Variant type: single nucleotide variant.
Coding change: c.4094C>T on transcript NM_000053.4 (MANE Select); coding-DNA position 4094, C replaced by T.
Protein change: p.Ser1365Phe; replaces serine 1365 with phenylalanine.
Molecular consequence: missense variant.
Genome position (GRCh38, 1-based): chr13:51,935,623, G>A on the plus strand (C>T on the coding strand, the complement: ATP7B is on the minus strand). VCF-style: chr13-51935623-G-A. GRCh37 (hg19) VCF-style: chr13-52509759-G-A.
Other names: c.4040C>T, p.Ser1347Phe (NM_001406516.1, NM_001406515.1); c.3998C>T, p.Ser1333Phe (NM_001406517.1, NM_001406518.1); c.3959C>T, p.Ser1320Phe (NM_001406519.1); c.3950C>T, p.Ser1317Phe (NM_001406520.1, NM_001406521.1, NM_001406522.1); c.3911C>T, p.Ser1304Phe (NM_001406523.1); c.3917C>T, p.Ser1306Phe (NM_001406524.1); c.3899C>T, p.Ser1300Phe (NM_001406525.1); c.3890C>T, p.Ser1297Phe (NM_001406526.1); and 21 more; short protein forms S1084F, S1138F, S1149F, S1158F, S1171F, S1201F, S1203F, S1216F.
Identifiers: ClinVar variation 2418890 (VCV002418890.4), dbSNP rs747301758, ClinGen allele CA6988493.